The following is an entry in ClinVar:

ClinVar aggregate classification (germline): Uncertain significance (1 of 4 stars; one submission).

Submission:

Labcorp Genetics (formerly Invitae), Labcorp
Classification: Uncertain significance. Last evaluated: 2022-05-31. Review status: criteria provided, single submitter. Criteria: Invitae Variant Classification Sherloc (09022015). Collection method: clinical testing. Allele origin: germline.
Comment: This variant is not present in population databases (gnomAD no frequency). This variant has not been reported in the literature in individuals affected with TOPORS-related conditions. Algorithms developed to predict the effect of missense changes on protein structure and function are either unavailable or do not agree on the potential impact of this missense change (SIFT: "Tolerated"; PolyPhen-2: "Possibly Damaging"; Align-GVGD: "Class C0"). In summary, the available evidence is currently insufficient to determine the role of this variant in disease. Therefore, it has been classified as a Variant of Uncertain Significance. This sequence change replaces serine, which is neutral and polar, with phenylalanine, which is neutral and non-polar, at codon 565 of the TOPORS protein (p.Ser565Phe).

NM_005802.5(TOPORS):c.1694C>T (p.Ser565Phe)

Gene: TOPORS (TOP1 binding arginine/serine rich protein, E3 ubiquitin ligase; minus strand). Cytogenetic location: 9p21.1.
Variant type: single nucleotide variant.
Coding change: c.1694C>T on transcript NM_005802.5 (MANE Select); coding-DNA position 1694, C replaced by T.
Protein change: p.Ser565Phe; replaces serine 565 with phenylalanine.
Molecular consequence: missense variant.
Genome position (GRCh38, 1-based): chr9:32,542,831, G>A on the plus strand (C>T on the coding strand, the complement: TOPORS is on the minus strand). VCF-style: chr9-32542831-G-A. GRCh37 (hg19) VCF-style: chr9-32542829-G-A.
Other names: c.1499C>T, p.Ser500Phe (NM_001195622.2); short protein forms S565F, S500F.
Identifiers: ClinVar variation 2101350 (VCV002101350.4), dbSNP rs774501732, ClinGen allele CA373168681.